The following is an entry in ClinVar:

ClinVar aggregate classification (germline): Uncertain significance (1 of 4 stars; one submission).

Conditions:
Inborn genetic diseases. Identifiers: MedGen C0950123, MeSH D030342.

Submission:

Ambry Genetics
Classification: Uncertain significance for Inborn genetic diseases. Last evaluated: 2025-09-26. Review status: criteria provided, single submitter. Criteria: Ambry Variant Classification Scheme 2023. Collection method: clinical testing. Allele origin: germline.
Comment: The p.G95V variant (also known as c.284G>T) is located in coding exon 4 of the FANCA gene. The glycine at codon 95 is replaced by valine, an amino acid with dissimilar properties. This change occurs in the first base pair of coding exon 4. This amino acid position is conserved. In addition, this alteration is predicted to be tolerated by in silico analysis. Based on the available evidence, the clinical significance of this variant remains unclear.

NM_000135.4(FANCA):c.284G>T (p.Gly95Val)

Gene: FANCA (FA complementation group A; minus strand). Cytogenetic location: 16q24.3.
Variant type: single nucleotide variant.
Coding change: c.284G>T on transcript NM_000135.4 (MANE Select); coding-DNA position 284, G replaced by T.
Protein change: p.Gly95Val; replaces glycine 95 with valine.
Molecular consequence: missense variant.
Genome position (GRCh38, 1-based): chr16:89,811,071, C>A on the plus strand (G>T on the coding strand, the complement: FANCA is on the minus strand). VCF-style: chr16-89811071-C-A. GRCh37 (hg19) VCF-style: chr16-89877479-C-A.
Other names: c.284G>T, p.Gly95Val (NM_001018112.3, NM_001286167.3, NM_001351830.2); short protein forms G95V.
Identifiers: ClinVar variation 4619166 (VCV004619166.1).